The following is an entry in ClinVar:

ClinVar aggregate classification (germline): Uncertain significance. Review status: criteria provided, multiple submitters, no conflicts (2 of 4 stars). 2 submissions from 2 submitters: Uncertain significance (2). Last evaluated 2024-10-30.

Allele frequency attached by ClinVar (database versions not stated): ExAC 0.00014; TOPMed 0.00041; ESP Exome Variant Server 0.00046; gnomAD 0.00050; 1000 Genomes Project 0.00080; 1000 Genomes Project 30x 0.00125.
gnomAD v4.1: 149 of 1,604,524 alleles (0.0093%); highest among the groups gnomAD compares: African/African-American, 0.18%; no homozygotes.

Submissions (2):

GeneDx
Classification: Uncertain significance. Last evaluated: 2024-10-30. Review status: criteria provided, single submitter. Criteria: GeneDx Variant Classification Process June 2021. Collection method: clinical testing. Allele origin: germline. Affected: yes.
Comment: In silico analysis indicates that this missense variant does not alter protein structure/function; Has not been previously published as pathogenic or benign to our knowledge

Athena Diagnostics
Classification: Uncertain significance. Last evaluated: 2022-02-17. Review status: criteria provided, single submitter. Criteria: Athena Diagnostics Criteria. Collection method: clinical testing. Allele origin: unknown.

NM_018319.4(TDP1):c.1735G>A (p.Glu579Lys)

Gene: TDP1 (tyrosyl-DNA phosphodiesterase 1; plus strand). Cytogenetic location: 14q32.11.
Variant type: single nucleotide variant.
Coding change: c.1735G>A on transcript NM_018319.4 (MANE Select); coding-DNA position 1735, G replaced by A.
Protein change: p.Glu579Lys; replaces glutamic acid 579 with lysine.
Molecular consequence: missense variant. On other transcripts: intron variant (1).
Genome position (GRCh38, 1-based): chr14:90,033,196, G>A. VCF-style: chr14-90033196-G-A. GRCh37 (hg19) VCF-style: chr14-90499540-G-A.
Other names: c.1735G>A, p.Glu579Lys (NM_001008744.2); c.1645-9874G>A (NM_001330205.2); short protein forms E579K.
Identifiers: ClinVar variation 1807070 (VCV001807070.2), dbSNP rs145520762, ClinGen allele CA7304088.